The following is an entry in ClinVar:

NM_014974.3(DIP2C):c.3230A>G (p.Glu1077Gly)

Gene: DIP2C (disco interacting protein 2 homolog C; minus strand). Cytogenetic location: 10p15.3.
Variant type: single nucleotide variant.
Coding change: c.3230A>G on transcript NM_014974.3 (MANE Select); coding-DNA position 3230, A replaced by G.
Protein change: p.Glu1077Gly; replaces glutamic acid 1077 with glycine.
Molecular consequence: missense variant.
Genome position (GRCh38, 1-based): chr10:348,642, T>C on the plus strand (A>G on the coding strand, the complement: DIP2C is on the minus strand). VCF-style: chr10-348642-T-C. GRCh37 (hg19) VCF-style: chr10-394582-T-C.
Other names: short protein forms E1077G.
Identifiers: ClinVar variation 3764215 (VCV003764215.1).

ClinVar aggregate classification (germline): Uncertain significance (1 of 4 stars; one submission).

Submission:

GeneDx
Classification: Uncertain significance. Last evaluated: 2024-08-19. Review status: criteria provided, single submitter. Criteria: GeneDx Variant Classification Process June 2021. Collection method: clinical testing. Allele origin: germline. Affected: yes.
Comment: Not observed at significant frequency in large population cohorts (gnomAD); In silico analysis supports that this missense variant has a deleterious effect on protein structure/function; In silico analysis supports a deleterious effect on splicing; Has not been previously published as pathogenic or benign to our knowledge